The following is an entry in ClinVar:

NM_004304.5(ALK):c.221C>T (p.Pro74Leu)

Gene: ALK (ALK receptor tyrosine kinase; minus strand). Cytogenetic location: 2p23.1.
Variant type: single nucleotide variant.
Coding change: c.221C>T on transcript NM_004304.5 (MANE Select); coding-DNA position 221, C replaced by T.
Protein change: p.Pro74Leu; replaces proline 74 with leucine.
Molecular consequence: missense variant.
Genome position (GRCh38, 1-based): chr2:29,920,439, G>A on the plus strand (C>T on the coding strand, the complement: ALK is on the minus strand). VCF-style: chr2-29920439-G-A. GRCh37 (hg19) VCF-style: chr2-30143305-G-A.
Other names: short protein forms P74L.
Identifiers: ClinVar variation 566374 (VCV000566374.18), dbSNP rs1187464179, ClinGen allele CA346590456.

ClinVar aggregate classification (germline): Uncertain significance. Review status: criteria provided, multiple submitters, no conflicts (2 of 4 stars). 5 submissions from 5 submitters: Uncertain significance (5). Last evaluated 2026-01-27.

Conditions:
Hereditary cancer-predisposing syndrome. Also called: Neoplastic Syndromes, Hereditary; Tumor predisposition; Hereditary Cancer Syndrome; Hereditary neoplastic syndrome. Identifiers: Orphanet 140162, MedGen C0027672, MeSH D009386, MONDO:0015356.
Neuroblastoma, susceptibility to, 3. Also called: ALK-Related Neuroblastic Tumor Susceptibility. Identifiers: Orphanet 635, MedGen C2751681, MONDO:0013083, OMIM 613014.

Allele frequency attached by ClinVar (database versions not stated): gnomAD exomes 0.00001; TOPMed 0.00002.
gnomAD v4.1: 17 of 1,608,166 alleles (0.0011%); highest among the groups gnomAD compares: Middle Eastern, 0.049%; no homozygotes.

Submissions (5):

Labcorp Genetics (formerly Invitae), Labcorp
Classification: Uncertain significance for Neuroblastoma, susceptibility to, 3. Last evaluated: 2026-01-27. Review status: criteria provided, single submitter. Criteria: Invitae Variant Classification Sherloc (09022015). Collection method: clinical testing. Allele origin: germline.
Comment: This sequence change replaces proline, which is neutral and non-polar, with leucine, which is neutral and non-polar, at codon 74 of the ALK protein (p.Pro74Leu). The frequency data for this variant in the population databases is considered unreliable, as metrics indicate poor data quality at this position in the gnomAD database. This variant has not been reported in the literature in individuals affected with ALK-related conditions. ClinVar contains an entry for this variant (Variation ID: 566374). An algorithm developed to predict the effect of missense changes on protein structure and function outputs the following: PolyPhen-2: "Benign". The leucine amino acid residue is found in multiple mammalian species, which suggests that this missense change does not adversely affect protein function. In summary, the available evidence is currently insufficient to determine the role of this variant in disease. Therefore, it has been classified as a Variant of Uncertain Significance.

Ambry Genetics
Classification: Uncertain significance for Hereditary cancer-predisposing syndrome. Last evaluated: 2024-10-25. Review status: criteria provided, single submitter. Criteria: Ambry Variant Classification Scheme 2023. Collection method: clinical testing. Allele origin: germline.

Baylor Genetics
Classification: Uncertain significance for Neuroblastoma, susceptibility to, 3. Last evaluated: 2024-03-29. Review status: criteria provided, single submitter. Criteria: ACMG Guidelines, 2015. Collection method: clinical testing. Allele origin: unknown.

GeneDx
Classification: Uncertain significance. Last evaluated: 2024-01-17. Review status: criteria provided, single submitter. Criteria: GeneDx Variant Classification Process June 2021. Collection method: clinical testing. Allele origin: germline. Affected: yes.
Comment: Not observed at significant frequency in large population cohorts (gnomAD); In silico analysis supports that this missense variant does not alter protein structure/function; Has not been previously published as pathogenic or benign to our knowledge

Sema4
Classification: Uncertain significance for Hereditary cancer-predisposing syndrome. Last evaluated: 2021-05-07. Review status: criteria provided, single submitter. Criteria: Sema4 Curation Guidelines. Collection method: curation. Allele origin: germline.
Comment: The ALK c.221C>T (p.P74L) variant has not been reported in the literature to our knowledge. It was observed in 1/17550 chromosomes of the East Asian subpopulation in the large and broad cohorts of the Genome Aggregation Database (PMID: 32461654). This variant has been reported in ClinVar (Variation ID 566374). In silico tools suggest the impact of the variant on protein function is benign, though these predictions have not been confirmed by functional studies. The evidence is insufficient to meet ACMG/AMP criteria for classifying the variant as benign or pathogenic. Thus, the clinical significance of this variant is currently uncertain.